The following is an entry in ClinVar:

ClinVar aggregate classification (germline): Uncertain significance (1 of 4 stars; one submission).

Conditions:
Catecholaminergic polymorphic ventricular tachycardia 1. Also called: VENTRICULAR TACHYCARDIA, STRESS-INDUCED POLYMORPHIC 1; VENTRICULAR TACHYCARDIA, CATECHOLAMINERGIC POLYMORPHIC, 1, WITH OR WITHOUT ATRIAL DYSFUNCTION AND/OR DILATED CARDIOMYOPATHY; RYR2-Related Catecholaminergic Polymorphic Ventricular Tachycardia. Identifiers: Orphanet 3286, MedGen C1631597, MONDO:0011484, OMIM 604772.

Submission:

Labcorp Genetics (formerly Invitae), Labcorp
Classification: Uncertain significance for Catecholaminergic polymorphic ventricular tachycardia 1. Last evaluated: 2022-02-08. Review status: criteria provided, single submitter. Criteria: Invitae Variant Classification Sherloc (09022015). Collection method: clinical testing. Allele origin: germline.
Comment: This sequence change replaces aspartic acid, which is acidic and polar, with valine, which is neutral and non-polar, at codon 396 of the CASQ2 protein (p.Asp396Val). This variant is not present in population databases (gnomAD no frequency). This variant has not been reported in the literature in individuals affected with CASQ2-related conditions. Algorithms developed to predict the effect of missense changes on protein structure and function are either unavailable or do not agree on the potential impact of this missense change (SIFT: "Tolerated"; PolyPhen-2: "Not Available"; Align-GVGD: "Class C0"). In summary, the available evidence is currently insufficient to determine the role of this variant in disease. Therefore, it has been classified as a Variant of Uncertain Significance.

NM_001232.4(CASQ2):c.1187A>T (p.Asp396Val)

Gene: CASQ2 (calsequestrin 2; minus strand). Cytogenetic location: 1p13.1.
Variant type: single nucleotide variant.
Coding change: c.1187A>T on transcript NM_001232.4 (MANE Select); coding-DNA position 1187, A replaced by T.
Protein change: p.Asp396Val; replaces aspartic acid 396 with valine.
Molecular consequence: missense variant.
Genome position (GRCh38, 1-based): chr1:115,701,254, T>A on the plus strand (A>T on the coding strand, the complement: CASQ2 is on the minus strand). VCF-style: chr1-115701254-T-A. GRCh37 (hg19) VCF-style: chr1-116243875-T-A.
Other names: short protein forms D396V.
Identifiers: ClinVar variation 2051648 (VCV002051648.1), dbSNP rs2464830760, ClinGen allele CA341766158.